The following is an entry in ClinVar:

NM_018419.3(SOX18):c.709C>A (p.Pro237Thr)

Gene: SOX18 (SRY-box transcription factor 18; minus strand). Cytogenetic location: 20q13.33.
Variant type: single nucleotide variant.
Coding change: c.709C>A on transcript NM_018419.3 (MANE Select); coding-DNA position 709, C replaced by A.
Protein change: p.Pro237Thr; replaces proline 237 with threonine.
Molecular consequence: missense variant.
Genome position (GRCh38, 1-based): chr20:64,048,612, G>T on the plus strand (C>A on the coding strand, the complement: SOX18 is on the minus strand). VCF-style: chr20-64048612-G-T. GRCh37 (hg19) VCF-style: chr20-62679965-G-T.
Other names: short protein forms P237T.
Identifiers: ClinVar variation 2777606 (VCV002777606.3), dbSNP rs1226124682, ClinGen allele CA409752666.

ClinVar aggregate classification (germline): Uncertain significance (1 of 4 stars; one submission).

Submission:

Labcorp Genetics (formerly Invitae), Labcorp
Classification: Uncertain significance. Last evaluated: 2024-01-19. Review status: criteria provided, single submitter. Criteria: Invitae Variant Classification Sherloc (09022015). Collection method: clinical testing. Allele origin: germline.
Comment: This sequence change replaces proline, which is neutral and non-polar, with threonine, which is neutral and polar, at codon 237 of the SOX18 protein (p.Pro237Thr). This variant is not present in population databases (gnomAD no frequency). This variant has not been reported in the literature in individuals affected with SOX18-related conditions. Advanced modeling of protein sequence and biophysical properties (such as structural, functional, and spatial information, amino acid conservation, physicochemical variation, residue mobility, and thermodynamic stability) performed at Invitae indicates that this missense variant is not expected to disrupt SOX18 protein function with a negative predictive value of 80%. In summary, the available evidence is currently insufficient to determine the role of this variant in disease. Therefore, it has been classified as a Variant of Uncertain Significance.